The following is an entry in ClinVar:

NM_152281.3(GORAB):c.-6G>A

Genes: GORAB-AS1 (GORAB antisense RNA 1; minus strand), GORAB (golgin, RAB6 interacting; plus strand). Cytogenetic location: 1q24.2.
Variant type: single nucleotide variant.
Coding change: c.-6G>A on transcript NM_152281.3 (MANE Select); 6 bases upstream of the start codon, G replaced by A.
Molecular consequence: 5 prime UTR variant. On other transcripts: non-coding transcript variant (1).
Genome position (GRCh38, 1-based): chr1:170,532,218, G>A. VCF-style: chr1-170532218-G-A. GRCh37 (hg19) VCF-style: chr1-170501359-G-A.
Other names: c.-6G>A (NM_001146039.2); c.-771G>A (NM_001320252.2).
Identifiers: ClinVar variation 1490025 (VCV001490025.5), dbSNP rs143284981, ClinGen allele CA1238987.

ClinVar aggregate classification (germline): Uncertain significance (1 of 4 stars; one submission).

Allele frequency attached by ClinVar (database versions not stated): ExAC 0.00001; gnomAD 0.00001; ESP Exome Variant Server 0.00008; gnomAD exomes 0.00001; TOPMed 0.00002.
gnomAD v4.1: 15 of 1,613,942 alleles (0.00093%); highest among the groups gnomAD compares: African/African-American, 0.0013%; no homozygotes.

Submission:

Labcorp Genetics (formerly Invitae), Labcorp
Classification: Uncertain significance. Last evaluated: 2022-01-12. Review status: criteria provided, single submitter. Criteria: Invitae Variant Classification Sherloc (09022015). Collection method: clinical testing. Allele origin: germline.
Comment: This sequence change replaces glycine, which is neutral and non-polar, with arginine, which is basic and polar, at codon 24 of the GORAB protein (p.Gly24Arg). This variant is present in population databases (rs143284981, gnomAD 0.003%). This variant has not been reported in the literature in individuals affected with GORAB-related conditions. Algorithms developed to predict the effect of missense changes on protein structure and function output the following: SIFT: "Tolerated"; PolyPhen-2: "Benign"; Align-GVGD: "Class C0". The arginine amino acid residue is found in multiple mammalian species, which suggests that this missense change does not adversely affect protein function. Algorithms developed to predict the effect of sequence changes on RNA splicing suggest that this variant may create or strengthen a splice site. In summary, the available evidence is currently insufficient to determine the role of this variant in disease. Therefore, it has been classified as a Variant of Uncertain Significance.